The following is an entry in ClinVar:

NM_014285.7(EXOSC2):c.271-4A>G

Gene: EXOSC2 (exosome component 2; plus strand). Cytogenetic location: 9q34.12.
Variant type: single nucleotide variant.
Coding change: c.271-4A>G on transcript NM_014285.7 (MANE Select); 4 bases into the intron before coding-DNA position 271, A replaced by G.
Molecular consequence: intron variant.
Genome position (GRCh38, 1-based): chr9:130,698,158, A>G. VCF-style: chr9-130698158-A-G. GRCh37 (hg19) VCF-style: chr9-133573545-A-G.
Other names: c.271-4A>G (NM_001282708.1, NM_014285.6); c.270+531A>G (NM_001282709.1).
Identifiers: ClinVar variation 1169117 (VCV001169117.11), dbSNP rs184826095, ClinGen allele CA5284812.
Genomic context (GRCh38, chr9:130,698,158, plus strand): 5'-TGGTTATTTATGATATGACACATGAACATGGAGCATGTGTCCAGGTGTGGAACTTGGCTT[A>G]TAGGTTCAACAGAAGAGGTGGAAGGTGGAGACCAACTCCAGGCTGGATTCGGTCTTGCTG-3'

ClinVar aggregate classification (germline): Benign/Likely benign. Review status: criteria provided, multiple submitters, no conflicts (2 of 4 stars). 3 submissions from 3 submitters: Benign (1); Likely benign (2). Last evaluated 2026-08-13.

Conditions:
EXOSC2-related disorder. Also called: EXOSC2-related condition.

Allele frequency attached by ClinVar (database versions not stated): gnomAD exomes 0.00019 and 0.00045; ExAC 0.00055; 1000 Genomes Project 0.00120; 1000 Genomes Project 30x 0.00156; gnomAD 0.00174 and 0.00189; TOPMed 0.00202; ESP Exome Variant Server 0.00261.
gnomAD v4.1: 542 of 1,613,856 alleles (0.034%); highest among the groups gnomAD compares: African/African-American, 0.65%; 1 homozygote.

Submissions (3):

PreventionGenetics, part of Exact Sciences
Classification: Likely benign for EXOSC2-related condition. Last evaluated: 2026-08-13. Review status: criteria provided, single submitter. Criteria: ACMG Guidelines, 2015. Collection method: clinical testing. Allele origin: germline.
Comment: This variant is classified as likely benign based on ACMG/AMP sequence variant interpretation guidelines (Richards et al. 2015 PMID: 25741868, with internal and published modifications).

Labcorp Genetics (formerly Invitae), Labcorp
Classification: Benign. Last evaluated: 2026-01-26. Review status: criteria provided, single submitter. Criteria: Invitae Variant Classification Sherloc (09022015). Collection method: clinical testing. Allele origin: germline.

Blueprint Genetics
Classification: Likely benign. Last evaluated: 2024-03-12. Review status: criteria provided, single submitter. Criteria: ACMG Guidelines, 2015. Collection method: clinical testing. Allele origin: germline.